The following is an entry in ClinVar:

ClinVar aggregate classification (germline): Uncertain significance (1 of 4 stars; one submission).

Conditions:
Myofibrillar myopathy 6. Identifiers: Orphanet 199340, MedGen C2751831, MONDO:0013061, OMIM 612954.
Dilated cardiomyopathy 1HH (CMD1HH). Identifiers: Orphanet 154, MedGen C3151293, MONDO:0013479, OMIM 613881.

Submission:

Labcorp Genetics (formerly Invitae), Labcorp
Classification: Uncertain significance for Dilated cardiomyopathy 1HH; Myofibrillar myopathy 6. Last evaluated: 2023-05-28. Review status: criteria provided, single submitter. Criteria: Invitae Variant Classification Sherloc (09022015). Collection method: clinical testing. Allele origin: unknown.
Comment: In summary, the available evidence is currently insufficient to determine the role of this variant in disease. Therefore, it has been classified as a Variant of Uncertain Significance. Experimental studies and prediction algorithms are not available or were not evaluated, and the functional significance of this variant is currently unknown. This variant has not been reported in the literature in individuals affected with BAG3-related conditions. This variant results in a copy number gain of the genomic region encompassing exon(s) 2-3 of the BAG3 gene. While the exact position of this variant cannot be determined from the data, sub-genic copy number gains are generally in tandem (PMID: 25640679). This variant is predicted to be in-frame, and likely preserves the integrity of the reading frame.

Literature cited by the submitters: PubMed 25640679.

NC_000010.10:g.(?_121429343)_(121432188_?)dup

Gene: BAG3 (BAG cochaperone 3; plus strand). Cytogenetic location: 10q26.11.
Variant type: Duplication.
Identifiers: ClinVar variation 3244902 (VCV003244902.1).